The following is an entry in ClinVar:

NM_001201543.2(FAM161A):c.1610T>A (p.Leu537Ter)

Gene: FAM161A (FAM161 centrosomal protein A; minus strand). Cytogenetic location: 2p15.
Variant type: single nucleotide variant.
Coding change: c.1610T>A on transcript NM_001201543.2 (MANE Select); coding-DNA position 1610, T replaced by A.
Protein change: p.Leu537Ter; replaces leucine 537 with a stop codon.
Molecular consequence: nonsense. On other transcripts: intron variant (1).
Genome position (GRCh38, 1-based): chr2:61,838,679, A>T on the plus strand (T>A on the coding strand, the complement: FAM161A is on the minus strand). VCF-style: chr2-61838679-A-T. GRCh37 (hg19) VCF-style: chr2-62065814-A-T.
Other names: c.1610T>A (NM_001201543.1); c.1583+742T>A (NM_032180.3); short protein forms L537*.
Identifiers: ClinVar variation 2675391 (VCV002675391.5), dbSNP rs750185328, ClinGen allele CA346986158.
Genomic context (GRCh38, chr2:61,838,679, plus strand): 5'-TTCTGCAATTCTTTCATTCTTTGCTTCTGTTTAGTTAGGATCCGATTTCTCTCTTCTTCC[A>T]ACATTTTCTTTTCCTCAAGTGATCTCCTGAGGGTAACAAACTAAGGCTTAATCCACTTTA-3'

ClinVar aggregate classification (germline): Pathogenic/Likely pathogenic. Review status: criteria provided, multiple submitters, no conflicts (2 of 4 stars). 3 submissions from 3 submitters: Pathogenic (1); Likely pathogenic (2). Last evaluated 2024-02-08.

Conditions:
Retinitis pigmentosa 28 (RP28). Identifiers: Orphanet 791, MedGen C1419614, MONDO:0011630, OMIM 606068.
FAM161A-related disorder. Also called: FAM161A-related condition.

Submissions (3):

Labcorp Genetics (formerly Invitae), Labcorp
Classification: Pathogenic. Last evaluated: 2024-02-08. Review status: criteria provided, single submitter. Criteria: Invitae Variant Classification Sherloc (09022015). Collection method: clinical testing. Allele origin: germline.
Comment: This sequence change creates a premature translational stop signal (p.Leu537*) in the FAM161A gene. It is expected to result in an absent or disrupted protein product. Loss-of-function variants in FAM161A are known to be pathogenic (PMID: 20705278, 20705279, 24651477). This variant is not present in population databases (gnomAD no frequency). This variant has not been reported in the literature in individuals affected with FAM161A-related conditions. Algorithms developed to predict the effect of sequence changes on RNA splicing suggest that this variant may disrupt the consensus splice site. For these reasons, this variant has been classified as Pathogenic.

Baylor Genetics
Classification: Likely pathogenic for Retinitis pigmentosa 28. Last evaluated: 2023-01-06. Review status: criteria provided, single submitter. Criteria: ACMG Guidelines, 2015. Collection method: clinical testing. Allele origin: unknown.

Blueprint Genetics
Classification: Likely pathogenic for FAM161A-related disorders. Last evaluated: 2021-04-13. Review status: criteria provided, single submitter. Criteria: ACMG Guidelines, 2015. Collection method: clinical testing. Allele origin: germline. Affected: yes. Observed: 2 variant alleles.

Literature cited by the submitters: PubMed 20705278 (cited by Labcorp Genetics (formerly Invitae), Labcorp); PubMed 20705279 (cited by Labcorp Genetics (formerly Invitae), Labcorp); PubMed 24651477 (cited by Labcorp Genetics (formerly Invitae), Labcorp).